The following is an entry in ClinVar:

ClinVar aggregate classification (germline): Pathogenic (1 of 4 stars; one submission).

Conditions:
Joubert syndrome. Also called: CEREBELLOPARENCHYMAL DISORDER IV; JOUBERT-BOLTSHAUSER SYNDROME; Familial aplasia of the vermis. Identifiers: Orphanet 475, MedGen C5979921, MONDO:0018772.
Meckel-Gruber syndrome. Also called: DYSENCEPHALIA SPLANCHNOCYSTICA; GRUBER SYNDROME; Dysencephalia splachnocystica. Identifiers: Orphanet 564, MedGen C0265215, MONDO:0018921.

Submission:

Labcorp Genetics (formerly Invitae), Labcorp
Classification: Pathogenic for Joubert syndrome; Meckel-Gruber syndrome. Last evaluated: 2022-12-29. Review status: criteria provided, single submitter. Criteria: Invitae Variant Classification Sherloc (09022015). Collection method: clinical testing. Allele origin: germline.
Comment: This variant is not present in population databases (gnomAD no frequency). For these reasons, this variant has been classified as Pathogenic. This variant has not been reported in the literature in individuals affected with MKS1-related conditions. This sequence change creates a premature translational stop signal (p.Trp80*) in the MKS1 gene. It is expected to result in an absent or disrupted protein product. Loss-of-function variants in MKS1 are known to be pathogenic (PMID: 19466712, 24886560, 26490104).

Literature cited by the submitters: PubMed 19466712; PubMed 24886560; PubMed 26490104.

NM_017777.4(MKS1):c.240G>A (p.Trp80Ter)

Gene: MKS1 (MKS transition zone complex subunit 1; minus strand). Cytogenetic location: 17q22.
Variant type: single nucleotide variant.
Coding change: c.240G>A on transcript NM_017777.4 (MANE Select); coding-DNA position 240, G replaced by A.
Protein change: p.Trp80Ter; replaces tryptophan 80 with a stop codon.
Molecular consequence: nonsense. On other transcripts: 5 prime UTR variant (1).
Genome position (GRCh38, 1-based): chr17:58,216,687, C>T on the plus strand (G>A on the coding strand, the complement: MKS1 is on the minus strand). VCF-style: chr17-58216687-C-T. GRCh37 (hg19) VCF-style: chr17-56294048-C-T.
Other names: c.-272G>A (NM_001321268.2); c.240G>A, p.Trp80Ter (NM_001321269.2, NM_001330397.2, NM_001411113.1); short protein forms W80*.
Identifiers: ClinVar variation 2929097 (VCV002929097.3), dbSNP rs1114167302, ClinGen allele CA400327738.